The following is an entry in ClinVar:

ClinVar aggregate classification (germline): Uncertain significance (1 of 4 stars; one submission).

Conditions:
GNAS-related disorder. Identifiers: MedGen CN380105.

Submission:

PreventionGenetics, part of Exact Sciences
Classification: Uncertain significance for GNAS-related condition. Last evaluated: 2026-01-29. Review status: criteria provided, single submitter. Criteria: ACMG Guidelines, 2015. Collection method: clinical testing. Allele origin: germline.
Comment: The GNAS c.701G>C variant is predicted to result in the amino acid substitution p.Gly234Ala. In the primary transcript (NM_000516), this variant is located in the pre-coding region (c.-37761G>C). To our knowledge, this variant has not been reported in the literature or in a large population database, indicating this variant is rare. At this time, the clinical significance of this variant is uncertain due to the absence of conclusive functional and genetic evidence.

NM_080425.4(GNAS):c.701G>C (p.Gly234Ala)

Gene: GNAS (GNAS complex locus; plus strand). Cytogenetic location: 20q13.32.
Variant type: single nucleotide variant.
Coding change: c.701G>C on transcript NM_080425.4 (MANE Plus Clinical); coding-DNA position 701, G replaced by C.
Protein change: p.Gly234Ala; replaces glycine 234 with alanine.
Molecular consequence: missense variant. On other transcripts: intron variant (3).
Genome position (GRCh38, 1-based): chr20:58,853,966, G>C. VCF-style: chr20-58853966-G-C. GRCh37 (hg19) VCF-style: chr20-57429021-G-C.
Other names: c.514G>C, p.Gly172Arg (NM_001077490.3, NM_001309883.1); c.701G>C, p.Gly234Ala (NM_001410913.1); c.*42+13080G>C (NM_016592.5); c.43+13080G>C (NM_001410912.1); c.-39+12091G>C (NM_001309861.2); short protein forms G172R, G234A.
Identifiers: ClinVar variation 3354984 (VCV003354984.2).
Genomic context (GRCh38, chr20:58,853,966, plus strand): 5'-GAGGCTACAGCCCTCCCCCTGAGGAGACTATGCCATTTGAGCTTGATGGAGAAGGATTTG[G>C]GGACGACAGCCCACCCCCGGGGCTTTCCCGAGTTATCGCACAAGTCGACGGCAGCAGCCA-3'
Protein context (NP_536350.2, residues 224-244): MPFELDGEGF[Gly234Ala]DDSPPPGLSR